The following is an entry in ClinVar:

NM_000535.7(PMS2):c.1820T>A (p.Val607Glu)

Gene: PMS2 (PMS1 homolog 2, mismatch repair system component; minus strand). Cytogenetic location: 7p22.1.
Variant type: single nucleotide variant.
Coding change: c.1820T>A on transcript NM_000535.7 (MANE Select); coding-DNA position 1820, T replaced by A.
Protein change: p.Val607Glu; replaces valine 607 with glutamic acid.
Molecular consequence: missense variant. On other transcripts: non-coding transcript variant (1).
Genome position (GRCh38, 1-based): chr7:5,986,945, A>T on the plus strand (T>A on the coding strand, the complement: PMS2 is on the minus strand). VCF-style: chr7-5986945-A-T. GRCh37 (hg19) VCF-style: chr7-6026576-A-T.
Other names: c.1622T>A, p.Val541Glu (NM_001406873.1); c.1652T>A, p.Val551Glu (NM_001406874.1); c.1511T>A, p.Val504Glu (NM_001406875.1, NM_001406877.1, NM_001406878.1 and 5 more transcripts); c.1502T>A, p.Val501Glu (NM_001406876.1, NM_001322007.2, NM_001322008.2 and 2 more transcripts); c.1415T>A, p.Val472Glu (NM_001406892.1, NM_001406893.1, NM_001406894.1 and 17 more transcripts); c.1355T>A, p.Val452Glu (NM_001406900.1); c.1346T>A, p.Val449Glu (NM_001406901.1, NM_001406902.1); c.1664T>A, p.Val555Glu (NM_001322006.2, NM_001406870.1); and 12 more; short protein forms V420E, V436E, V495E, V501E, V541E, V669E, V296E, V485E.
Identifiers: ClinVar variation 2041214 (VCV002041214.4), dbSNP rs1782969949, ClinGen allele CA366739712.
Genomic context (GRCh38, chr7:5,986,945, plus strand): 5'-TTAGCTAAAGAACTCATAGAAAAGTCCAGGGGCACAACTTTCTTATTAATTTTCACAGCT[A>T]CATCAACCTGAGAGGCTGACATGTCCTGAGTATTTACTAACTTTTGACAAATGTCAGAAC-3'
Protein context (NP_000526.2, residues 597-617): TQDMSASQVD[Val607Glu]AVKINKKVVP

ClinVar aggregate classification (germline): Uncertain significance (1 of 4 stars; one submission).

Conditions:
Hereditary nonpolyposis colorectal neoplasms. Identifiers: MedGen C0009405, MeSH D003123.

Submission:

Labcorp Genetics (formerly Invitae), Labcorp
Classification: Uncertain significance for Hereditary nonpolyposis colorectal neoplasms. Last evaluated: 2021-12-13. Review status: criteria provided, single submitter. Criteria: Invitae Variant Classification Sherloc (09022015). Collection method: clinical testing. Allele origin: germline.
Comment: This sequence change replaces valine, which is neutral and non-polar, with glutamic acid, which is acidic and polar, at codon 607 of the PMS2 protein (p.Val607Glu). This variant is not present in population databases (gnomAD no frequency). In summary, the available evidence is currently insufficient to determine the role of this variant in disease. Therefore, it has been classified as a Variant of Uncertain Significance. Advanced modeling of protein sequence and biophysical properties (such as structural, functional, and spatial information, amino acid conservation, physicochemical variation, residue mobility, and thermodynamic stability) performed at Invitae indicates that this missense variant is not expected to disrupt PMS2 protein function. This variant has not been reported in the literature in individuals affected with PMS2-related conditions.